The following is an entry in ClinVar:

ClinVar aggregate classification (germline): Pathogenic (1 of 4 stars; one submission).

Submission:

Labcorp Genetics (formerly Invitae), Labcorp
Classification: Pathogenic. Last evaluated: 2024-09-13. Review status: criteria provided, single submitter. Criteria: Invitae Variant Classification Sherloc (09022015). Collection method: clinical testing. Allele origin: germline.
Comment: This sequence change creates a premature translational stop signal (p.Gln386*) in the SLC34A1 gene. It is expected to result in an absent or disrupted protein product. Loss-of-function variants in SLC34A1 are known to be pathogenic (PMID: 26047794). This variant is not present in population databases (gnomAD no frequency). This variant has not been reported in the literature in individuals affected with SLC34A1-related conditions. For these reasons, this variant has been classified as Pathogenic.

Literature cited by the submitters: PubMed 26047794.

NM_003052.5(SLC34A1):c.1156C>T (p.Gln386Ter)

Gene: SLC34A1 (solute carrier family 34 member 1; plus strand). Cytogenetic location: 5q35.3.
Variant type: single nucleotide variant.
Coding change: c.1156C>T on transcript NM_003052.5 (MANE Select); coding-DNA position 1156, C replaced by T.
Protein change: p.Gln386Ter; replaces glutamine 386 with a stop codon.
Molecular consequence: nonsense.
Genome position (GRCh38, 1-based): chr5:177,394,177, C>T. VCF-style: chr5-177394177-C-T. GRCh37 (hg19) VCF-style: chr5-176821178-C-T.
Other names: short protein forms Q386*.
Identifiers: ClinVar variation 3716939 (VCV003716939.2).
Genomic context (GRCh38, chr5:177,394,177, plus strand): 5'-CTCATCCTCCTAGTCAAGATGCTCAACTCCCTGCTCAAGGGCCAAGTGGCCAAGGTCATC[C>T]AGAAGGTCATCAATACGGGTGAGCTGCGAGCAGTTGACTGGGCAGGGCCACAGGATGGGC-3'